The following is an entry in ClinVar:

NM_001267550.2(TTN):c.34787-12A>G

Gene: TTN (titin; minus strand). Cytogenetic location: 2q31.2.
Variant type: single nucleotide variant.
Coding change: c.34787-12A>G on transcript NM_001267550.2 (MANE Select); 12 bases into the intron before coding-DNA position 34787, A replaced by G.
Molecular consequence: intron variant.
Genome position (GRCh38, 1-based): chr2:178,672,715, T>C on the plus strand (A>G on the coding strand, the complement: TTN is on the minus strand). VCF-style: chr2-178672715-T-C. GRCh37 (hg19) VCF-style: chr2-179537442-T-C.
Other names: c.13283-30398A>G (NM_003319.4); c.13859-30398A>G (NM_133437.4); c.13658-30398A>G (NM_133432.3); c.30884-12A>G (NM_133378.4); c.33665-12A>G (NM_001256850.1).
Identifiers: ClinVar variation 1640929 (VCV001640929.9), dbSNP rs1023726354, ClinGen allele CA60979143.

ClinVar aggregate classification (germline): Conflicting classifications of pathogenicity. Review status: criteria provided, conflicting classifications (1 of 4 stars). 2 submissions from 2 submitters: Uncertain significance (1); Likely benign (1). Last evaluated 2025-04-27.

Conditions:
Dilated cardiomyopathy 1G (CMD1G). Identifiers: Orphanet 154, MedGen C1858763, MONDO:0011400, OMIM 604145.
Autosomal recessive limb-girdle muscular dystrophy type 2J (LGMDR10). Also called: Limb-girdle muscular dystrophy, type 2J; MUSCULAR DYSTROPHY, LIMB-GIRDLE, AUTOSOMAL RECESSIVE 10. Identifiers: Orphanet 140922, MedGen C1837342, MONDO:0012127, OMIM 608807.

Allele frequency attached by ClinVar (database versions not stated): gnomAD exomes below 0.00001.
gnomAD v4.1: 1 of 1,584,394 alleles (0.000063%); highest among the groups gnomAD compares: Non-Finnish European, 0.000086%; no homozygotes.

Submissions (2):

Labcorp Genetics (formerly Invitae), Labcorp
Classification: Likely benign for Dilated cardiomyopathy 1G; Autosomal recessive limb-girdle muscular dystrophy type 2J. Last evaluated: 2025-04-27. Review status: criteria provided, single submitter. Criteria: Invitae Variant Classification Sherloc (09022015). Collection method: clinical testing. Allele origin: germline.

3billion
Classification: Uncertain significance for Autosomal recessive limb-girdle muscular dystrophy type 2J. Last evaluated: 2023-11-24. Review status: criteria provided, single submitter. Criteria: ACMG Guidelines, 2015. Collection method: clinical testing. Allele origin: germline. Affected: yes.
Comment: The variant is observed at an extremely low frequency in the gnomAD v2.1.1 dataset (total allele frequency: <0.001%). Predicted Consequence/Location: Intron variant In silico tools predict the variant to alter splicing and produce an abnormal transcript [SpliceAI: 0.55 (>=0.2, moderate evidence for spliceogenicity)]. The variant has been reported as benign without evidence for the classification (ClinVar ID: VCV001640929). Therefore, this variant is classified as VUS according to the recommendation of ACMG/AMP guideline.